The following is an entry in ClinVar:

ClinVar aggregate classification (germline): Uncertain significance. Review status: criteria provided, multiple submitters, no conflicts (2 of 4 stars). 2 submissions from 2 submitters: Uncertain significance (2). Last evaluated 2025-11-01.

gnomAD v4.1: 28 of 1,614,128 alleles (0.0017%); highest among the groups gnomAD compares: East Asian, 0.011%; no homozygotes.

Submissions (2):

Labcorp Genetics (formerly Invitae), Labcorp
Classification: Uncertain significance. Last evaluated: 2025-11-01. Review status: criteria provided, single submitter. Criteria: Invitae Variant Classification Sherloc (09022015). Collection method: clinical testing. Allele origin: germline.
Comment: This sequence change replaces arginine, which is basic and polar, with cysteine, which is neutral and slightly polar, at codon 234 of the FBN3 protein (p.Arg234Cys). This variant is present in population databases (rs528849979, gnomAD 0.006%). This variant has not been reported in the literature in individuals affected with FBN3-related conditions. ClinVar contains an entry for this variant (Variation ID: 4255516). An algorithm developed to predict the effect of missense changes on protein structure and function (PolyPhen-2) suggests that this variant is likely to be disruptive. In summary, the available evidence is currently insufficient to determine the role of this variant in disease. Therefore, it has been classified as a Variant of Uncertain Significance.

Ambry Genetics
Classification: Uncertain significance. Last evaluated: 2025-08-06. Review status: criteria provided, single submitter. Criteria: Ambry Variant Classification Scheme 2023. Collection method: clinical testing. Allele origin: germline.

NM_032447.5(FBN3):c.700C>T (p.Arg234Cys)

Gene: FBN3 (fibrillin 3; minus strand). Cytogenetic location: 19p13.2.
Variant type: single nucleotide variant.
Coding change: c.700C>T on transcript NM_032447.5 (MANE Select); coding-DNA position 700, C replaced by T.
Protein change: p.Arg234Cys; replaces arginine 234 with cysteine.
Molecular consequence: missense variant.
Genome position (GRCh38, 1-based): chr19:8,141,979, G>A on the plus strand (C>T on the coding strand, the complement: FBN3 is on the minus strand). VCF-style: chr19-8141979-G-A. GRCh37 (hg19) VCF-style: chr19-8206863-G-A.
Other names: c.700C>T, p.Arg234Cys (NM_001321431.2); short protein forms R234C.
Identifiers: ClinVar variation 4255516 (VCV004255516.2).
Genomic context (GRCh38, chr19:8,141,979, plus strand): 5'-AGCCCTGACCCCACTATTCACCTTGGCAGGCCCCCGTGTGGATATTGGGGATGAAGCCGC[G>A]GCGGCAGGGGTGTGGCTGTGCAGGGCAAAGTTCACATGGAAGGCCCCAGGCACGGCCCAC-3'
Protein context (NP_115823.3, residues 224-244): LCPAQPHPCR[Arg234Cys]GFIPNIHTGA